The following is an entry in ClinVar:

NM_001267550.2(TTN):c.38316A>C (p.Glu12772Asp)

Gene: TTN (titin; minus strand). Cytogenetic location: 2q31.2.
Variant type: single nucleotide variant.
Coding change: c.38316A>C on transcript NM_001267550.2 (MANE Select); coding-DNA position 38316, A replaced by C.
Protein change: p.Glu12772Asp; replaces glutamic acid 12772 with aspartic acid.
Molecular consequence: missense variant. On other transcripts: intron variant (5).
Genome position (GRCh38, 1-based): chr2:178,654,272, T>G on the plus strand (A>C on the coding strand, the complement: TTN is on the minus strand). VCF-style: chr2-178654272-T-G. GRCh37 (hg19) VCF-style: chr2-179518999-T-G.
Other names: c.13283-11955A>C (NM_003319.4); c.13859-11955A>C (NM_133437.4); c.13658-11955A>C (NM_133432.3); c.31742-1731A>C (NM_133378.4); c.34523-1731A>C (NM_001256850.1); c.38316A>C (NM_001267550.1); short protein forms E12772D.
Identifiers: ClinVar variation 535467 (VCV000535467.5), dbSNP rs1195550297, ClinGen allele CA349474225.

ClinVar aggregate classification (germline): Uncertain significance. Review status: criteria provided, multiple submitters, no conflicts (2 of 4 stars). 3 submissions from 3 submitters: Uncertain significance (3). Last evaluated 2025-11-21.

Conditions:
Dilated cardiomyopathy 1G (CMD1G). Identifiers: Orphanet 154, MedGen C1858763, MONDO:0011400, OMIM 604145.
Autosomal recessive limb-girdle muscular dystrophy type 2J (LGMDR10). Also called: MUSCULAR DYSTROPHY, LIMB-GIRDLE, AUTOSOMAL RECESSIVE 10; Limb-girdle muscular dystrophy, type 2J. Identifiers: Orphanet 140922, MedGen C1837342, MONDO:0012127, OMIM 608807.
TTN-related disorder. Also called: TTN-related condition; TTN-related disease; TTN-related disorders.

Allele frequency attached by ClinVar (database versions not stated): gnomAD 0.00001; gnomAD exomes 0.00001; TOPMed 0.00001.
gnomAD v4.1: 10 of 1,599,228 alleles (0.00063%); highest among the groups gnomAD compares: Non-Finnish European, 0.00085%; 1 homozygote.

Submissions (3):

PreventionGenetics, part of Exact Sciences
Classification: Uncertain significance for TTN-related condition. Last evaluated: 2025-11-21. Review status: criteria provided, single submitter. Criteria: ACMG Guidelines, 2015. Collection method: clinical testing. Allele origin: germline.
Comment: The TTN c.38316A>C variant is predicted to result in the amino acid substitution p.Glu12772Asp. To our knowledge, this variant has not been reported in the literature. This variant is reported in 0.0032% of alleles in individuals of European (Non-Finnish) descent in gnomAD, including 1 homozygous individual. This variant falls within a highly paralogous region, and therefore allele frequency data should be interpreted with caution. At this time, the clinical significance of this variant is uncertain due to the absence of conclusive functional and genetic evidence.

Athena Diagnostics
Classification: Uncertain significance. Last evaluated: 2025-04-29. Review status: criteria provided, single submitter. Criteria: Athena Diagnostics Criteria. Collection method: clinical testing. Allele origin: unknown.
Comment: Available data are insufficient to determine the clinical significance of the variant at this time. The frequency of this variant in the general population is uninformative in assessment of its pathogenicity. This variant is in a coding region of the longest isoform of TTN, inferred model NM_001267550.1, however, it is in a non-coding region of the main skeletal and cardiac muscle isoforms of TTN.

Labcorp Genetics (formerly Invitae), Labcorp
Classification: Uncertain significance for Dilated cardiomyopathy 1G; Autosomal recessive limb-girdle muscular dystrophy type 2J. Last evaluated: 2017-10-05. Review status: criteria provided, single submitter. Criteria: Invitae Variant Classification Sherloc (09022015). Collection method: clinical testing. Allele origin: germline.